The following is an entry in ClinVar:

ClinVar aggregate classification (germline): Uncertain significance (1 of 4 stars; one submission).

Conditions:
Generalized epilepsy with febrile seizures plus, type 7 (GEFSP7). Also called: GEFS+, TYPE 7. Identifiers: Orphanet 36387, MedGen C2751778, MONDO:0013470, OMIM 613863.
Neuropathy, hereditary sensory and autonomic, type 2A (HSAN2A). Also called: ACROOSTEOLYSIS, GIACCAI TYPE; ACROOSTEOLYSIS, NEUROGENIC; WNK1-Related HSAN2 (HSAN2A); HSAN IIA; MORVAN DISEASE; NEUROPATHY, CONGENITAL SENSORY. Identifiers: Orphanet 970, MedGen C2752089, MONDO:0024309, OMIM 201300.

Allele frequency attached by ClinVar (database versions not stated): gnomAD exomes below 0.00001 and 0.00001; ExAC 0.00001; TOPMed 0.00001.
gnomAD v4.1: 1 of 1,613,366 alleles (0.000062%); highest among the groups gnomAD compares: Admixed American, 0.0017%; no homozygotes.

Submission:

Labcorp Genetics (formerly Invitae), Labcorp
Classification: Uncertain significance for Neuropathy, hereditary sensory and autonomic, type 2A; Generalized epilepsy with febrile seizures plus, type 7. Last evaluated: 2024-10-24. Review status: criteria provided, single submitter. Criteria: Invitae Variant Classification Sherloc (09022015). Collection method: clinical testing. Allele origin: germline.
Comment: This sequence change replaces serine, which is neutral and polar, with glycine, which is neutral and non-polar, at codon 683 of the SCN9A protein (p.Ser683Gly). This variant is present in population databases (rs755993147, gnomAD 0.003%). This variant has not been reported in the literature in individuals affected with SCN9A-related conditions. ClinVar contains an entry for this variant (Variation ID: 1063441). Invitae Evidence Modeling of protein sequence and biophysical properties (such as structural, functional, and spatial information, amino acid conservation, physicochemical variation, residue mobility, and thermodynamic stability) indicates that this missense variant is not expected to disrupt SCN9A protein function with a negative predictive value of 95%. In summary, the available evidence is currently insufficient to determine the role of this variant in disease. Therefore, it has been classified as a Variant of Uncertain Significance.

NM_001365536.1(SCN9A):c.2080A>G (p.Ser694Gly)

Genes: SCN9A (sodium voltage-gated channel alpha subunit 9; minus strand), SCN1A-AS1 (SCN1A and SCN9A antisense RNA 1; plus strand). Cytogenetic location: 2q24.3.
Variant type: single nucleotide variant.
Coding change: c.2080A>G on transcript NM_001365536.1 (MANE Select); coding-DNA position 2080, A replaced by G.
Protein change: p.Ser694Gly; replaces serine 694 with glycine.
Molecular consequence: missense variant.
Genome position (GRCh38, 1-based): chr2:166,281,703, T>C on the plus strand (A>G on the coding strand, the complement: SCN9A is on the minus strand). VCF-style: chr2-166281703-T-C. GRCh37 (hg19) VCF-style: chr2-167138213-T-C.
Other names: c.2047A>G, p.Ser683Gly (NM_002977.4); short protein forms S683G, S694G.
Identifiers: ClinVar variation 1063441 (VCV001063441.9), dbSNP rs755993147, ClinGen allele CA1944347.